The following is an entry in ClinVar:

NM_172107.4(KCNQ2):c.2316G>A (p.Pro772=)

Gene: KCNQ2 (potassium voltage-gated channel subfamily Q member 2; minus strand). Cytogenetic location: 20q13.33.
Variant type: single nucleotide variant.
Coding change: c.2316G>A on transcript NM_172107.4 (MANE Select); coding-DNA position 2316, G replaced by A.
Protein change: p.Pro772=; no amino-acid change (proline 772 retained).
Molecular consequence: synonymous variant.
Genome position (GRCh38, 1-based): chr20:63,406,947, C>T on the plus strand (G>A on the coding strand, the complement: KCNQ2 is on the minus strand). VCF-style: chr20-63406947-C-T. GRCh37 (hg19) VCF-style: chr20-62038300-C-T.
Other names: c.2232G>A, p.Pro744= (NM_004518.6); c.2262G>A, p.Pro754= (NM_172106.3); c.2223G>A, p.Pro741= (NM_172108.5).
Identifiers: ClinVar variation 129335 (VCV000129335.17), dbSNP rs587780367, ClinGen allele CA231195.
Genomic context (GRCh38, chr20:63,406,947, plus strand): 5'-GGACGGGATGGAGATGGACGTGTCGCTGTCCCGCAGGTTCCCCTCGGGGGGCCTGCAGCC[C>T]GGGGTGTCCTCCTGCCGCAGGAACTCCATGCTGGCGCGGTTGCCCCCGCCGTAGGCGGAC-3'
Protein context (NP_742105.1, residues 762-782): SMEFLRQEDT[Pro772=]GCRPPEGNLR

ClinVar aggregate classification (germline): Conflicting classifications of pathogenicity. Review status: criteria provided, conflicting classifications (1 of 4 stars). 3 submissions from 3 submitters: Uncertain significance (1); Likely benign (2). Last evaluated 2025-03-05.

Conditions:
Early-infantile DEE. Also called: Early infantile epileptic encephalopathy with suppression bursts; Early infantile epileptic encephalopathy; Ohtahara syndrome. Identifiers: Orphanet 1934, MedGen C0393706, MONDO:0800491.

Allele frequency attached by ClinVar (database versions not stated): TOPMed 0.00001; gnomAD 0.00002.
gnomAD v4.1: 25 of 1,583,630 alleles (0.0016%); highest among the groups gnomAD compares: South Asian, 0.009%; no homozygotes.

Submissions (3):

Labcorp Genetics (formerly Invitae), Labcorp
Classification: Likely benign for Early-infantile DEE. Last evaluated: 2025-03-05. Review status: criteria provided, single submitter. Criteria: Invitae Variant Classification Sherloc (09022015). Collection method: clinical testing. Allele origin: germline.

GeneDx
Classification: Likely benign. Last evaluated: 2018-05-01. Review status: criteria provided, single submitter. Criteria: GeneDx Variant Classification (06012015). Collection method: clinical testing. Allele origin: germline. Affected: yes.
Comment: This variant is considered likely benign or benign based on one or more of the following criteria: it is a conservative change, it occurs at a poorly conserved position in the protein, it is predicted to be benign by multiple in silico algorithms, and/or has population frequency not consistent with disease.

Genetic Services Laboratory, University of Chicago
Classification: Uncertain significance. Last evaluated: 2013-04-05. Review status: criteria provided, single submitter. Criteria: ACMG Guidelines, 2007. Collection method: clinical testing. Allele origin: germline. Inheritance: Autosomal dominant inheritance.